The following is an entry in ClinVar:

NM_004715.5(CTDP1):c.206C>T (p.Ala69Val)

Gene: CTDP1 (CTD phosphatase subunit 1; plus strand). Cytogenetic location: 18q23.
Variant type: single nucleotide variant.
Coding change: c.206C>T on transcript NM_004715.5 (MANE Select); coding-DNA position 206, C replaced by T.
Protein change: p.Ala69Val; replaces alanine 69 with valine.
Molecular consequence: missense variant.
Genome position (GRCh38, 1-based): chr18:79,680,153, C>T. VCF-style: chr18-79680153-C-T. GRCh37 (hg19) VCF-style: chr18-77440153-C-T.
Other names: p.Ala69Val; c.206C>T, p.Ala69Val (NM_001318511.2, NM_048368.4); short protein forms A69V.
Identifiers: ClinVar variation 2210529 (VCV002210529.3), dbSNP rs771395058, ClinGen allele CA9009896.

ClinVar aggregate classification (germline): Uncertain significance. Review status: criteria provided, multiple submitters, no conflicts (2 of 4 stars). 2 submissions from 2 submitters: Uncertain significance (2). Last evaluated 2025-09-26.

gnomAD v4.1: 46 of 1,409,864 alleles (0.0033%); highest among the groups gnomAD compares: South Asian, 0.0044%; no homozygotes.

Submissions (2):

Ambry Genetics
Classification: Uncertain significance. Last evaluated: 2025-09-26. Review status: criteria provided, single submitter. Criteria: Ambry Variant Classification Scheme 2023. Collection method: clinical testing. Allele origin: germline.

Mayo Clinic Laboratories, Mayo Clinic
Classification: Uncertain significance. Last evaluated: 2025-08-06. Review status: criteria provided, single submitter. Criteria: ACMG Guidelines, 2015. Collection method: clinical testing. Allele origin: germline. Observed: 1 variant allele.
Comment: BP4_moderate